The following is an entry in ClinVar:

ClinVar aggregate classification (germline): Uncertain significance (1 of 4 stars; one submission).

Conditions:
Autosomal recessive polycystic kidney disease (ARPKD). Also called: AR polycystic kidney disease. Identifiers: Orphanet 731, Orphanet 8378, MedGen C0085548, MeSH D017044, MONDO:0009889.

Submission:

Labcorp Genetics (formerly Invitae), Labcorp
Classification: Uncertain significance for Autosomal recessive polycystic kidney disease. Last evaluated: 2021-12-24. Review status: criteria provided, single submitter. Criteria: Invitae Variant Classification Sherloc (09022015). Collection method: clinical testing. Allele origin: germline.
Comment: This sequence change replaces histidine, which is basic and polar, with aspartic acid, which is acidic and polar, at codon 2572 of the PKHD1 protein (p.His2572Asp). This variant is present in population databases (no rsID available, gnomAD 0.009%). This missense change has been observed in individual(s) with polycystic kidney disease (Invitae). Advanced modeling of protein sequence and biophysical properties (such as structural, functional, and spatial information, amino acid conservation, physicochemical variation, residue mobility, and thermodynamic stability) performed at Invitae indicates that this missense variant is expected to disrupt PKHD1 protein function. In summary, the available evidence is currently insufficient to determine the role of this variant in disease. Therefore, it has been classified as a Variant of Uncertain Significance.

NM_138694.4(PKHD1):c.7714C>G (p.His2572Asp)

Gene: PKHD1 (PKHD1 ciliary IPT domain containing fibrocystin/polyductin; minus strand). Cytogenetic location: 6p12.2.
Variant type: single nucleotide variant.
Coding change: c.7714C>G on transcript NM_138694.4 (MANE Select); coding-DNA position 7714, C replaced by G.
Protein change: p.His2572Asp; replaces histidine 2572 with aspartic acid.
Molecular consequence: missense variant.
Genome position (GRCh38, 1-based): chr6:51,867,882, G>C on the plus strand (C>G on the coding strand, the complement: PKHD1 is on the minus strand). VCF-style: chr6-51867882-G-C. GRCh37 (hg19) VCF-style: chr6-51732680-G-C.
Other names: c.7714C>G, p.His2572Asp (NM_170724.3); short protein forms H2572D.
Identifiers: ClinVar variation 2148226 (VCV002148226.3), dbSNP rs1348115755, ClinGen allele CA364418168.